The following is an entry in ClinVar:

ClinVar aggregate classification (germline): Benign (1 of 4 stars; one submission).

Conditions:
Factor VII deficiency. Also called: Factor 7 deficiency; F7 DEFICIENCY; HYPOPROCONVERTINEMIA. Identifiers: MedGen C0015503, MeSH D005168, MONDO:0002244.

Allele frequency attached by ClinVar (database versions not stated): gnomAD 0.00006 and 0.00014; ESP Exome Variant Server 0.00008; gnomAD exomes 0.00013 and 0.00021; TOPMed 0.00017; ExAC 0.00052; 1000 Genomes Project 30x 0.00094; 1000 Genomes Project 0.00120.

Submission:

Illumina Laboratory Services, Illumina
Classification: Benign for Congenital factor VII deficiency. Last evaluated: 2017-07-20. Review status: criteria provided, single submitter. Criteria: ICSL Variant Classification Criteria 13 December 2019. Collection method: clinical testing. Allele origin: germline.
Comment: This variant was observed as part of a predisposition screen in an ostensibly healthy population. A literature search was performed for the gene, cDNA change, and amino acid change (where applicable). Publications were found based on this search. The evidence from the literature, in combination with allele frequency data from public databases where available, was sufficient to rule this variant out of causing disease. Therefore, this variant is classified as benign.

Literature cited by the submitters: PubMed 22873696.

NM_000131.5(F7):c.66C>T (p.Gly22=)

Gene: F7 (coagulation factor VII; plus strand). Cytogenetic location: 13q34.
Variant type: single nucleotide variant.
Coding change: c.66C>T on transcript NM_000131.5 (MANE Plus Clinical); coding-DNA position 66, C replaced by T.
Protein change: p.Gly22=; no amino-acid change (glycine 22 retained).
Molecular consequence: synonymous variant. On other transcripts: intron variant (2).
Genome position (GRCh38, 1-based): chr13:113,106,846, C>T. VCF-style: chr13-113106846-C-T. GRCh37 (hg19) VCF-style: chr13-113761160-C-T.
Other names: c.64+941C>T (NM_019616.4, NM_001267554.2).
Identifiers: ClinVar variation 883752 (VCV000883752.11), dbSNP rs189409610, ClinGen allele CA7059831.